The following is an entry in ClinVar:

NM_001146.5(ANGPT1):c.707A>G (p.Gln236Arg)

Gene: ANGPT1 (angiopoietin 1; minus strand). Cytogenetic location: 8q23.1.
Variant type: single nucleotide variant.
Coding change: c.707A>G on transcript NM_001146.5 (MANE Select); coding-DNA position 707, A replaced by G.
Protein change: p.Gln236Arg; replaces glutamine 236 with arginine.
Molecular consequence: missense variant.
Genome position (GRCh38, 1-based): chr8:107,321,997, T>C on the plus strand (A>G on the coding strand, the complement: ANGPT1 is on the minus strand). VCF-style: chr8-107321997-T-C. GRCh37 (hg19) VCF-style: chr8-108334225-T-C.
Other names: c.707A>G, p.Gln236Arg (NM_001199859.3); c.107A>G, p.Gln36Arg (NM_001314051.2); short protein forms Q36R, Q236R.
Identifiers: ClinVar variation 2130063 (VCV002130063.4), dbSNP rs774473514, ClinGen allele CA4841284.

ClinVar aggregate classification (germline): Uncertain significance (1 of 4 stars; one submission).

Allele frequency attached by ClinVar (database versions not stated): gnomAD exomes below 0.00001; ExAC 0.00001.
gnomAD v4.1: 1 of 1,614,020 alleles (0.000062%); highest among the groups gnomAD compares: Non-Finnish European, 0.000085%; no homozygotes.

Submission:

Labcorp Genetics (formerly Invitae), Labcorp
Classification: Uncertain significance. Last evaluated: 2022-04-24. Review status: criteria provided, single submitter. Criteria: Invitae Variant Classification Sherloc (09022015). Collection method: clinical testing. Allele origin: germline.
Comment: In summary, the available evidence is currently insufficient to determine the role of this variant in disease. Therefore, it has been classified as a Variant of Uncertain Significance. Algorithms developed to predict the effect of missense changes on protein structure and function (SIFT, PolyPhen-2, Align-GVGD) all suggest that this variant is likely to be tolerated. This variant has not been reported in the literature in individuals affected with ANGPT1-related conditions. This variant is present in population databases (rs774473514, gnomAD 0.0009%). This sequence change replaces glutamine, which is neutral and polar, with arginine, which is basic and polar, at codon 236 of the ANGPT1 protein (p.Gln236Arg).